The following is an entry in ClinVar:

NM_018006.5(TRMU):c.651+1G>T

Gene: TRMU (tRNA mitochondrial 2-thiouridylase; plus strand). Cytogenetic location: 22q13.31.
Variant type: single nucleotide variant.
Coding change: c.651+1G>T on transcript NM_018006.5 (MANE Select); the canonical splice donor site of the intron after coding-DNA position 651, G replaced by T.
Molecular consequence: splice donor variant.
Genome position (GRCh38, 1-based): chr22:46,350,464, G>T. VCF-style: chr22-46350464-G-T. GRCh37 (hg19) VCF-style: chr22-46746361-G-T.
Other names: c.651+1G>T (NM_001282785.2); c.309+1G>T (NM_001282782.2); c.231+1G>T (NM_001282783.2, NM_001282784.2).
Identifiers: ClinVar variation 2085086 (VCV002085086.4), dbSNP rs1351875080, ClinGen allele CA411945745.

ClinVar aggregate classification (germline): Likely pathogenic (1 of 4 stars; one submission).

Submission:

Labcorp Genetics (formerly Invitae), Labcorp
Classification: Likely pathogenic. Last evaluated: 2022-01-16. Review status: criteria provided, single submitter. Criteria: Invitae Variant Classification Sherloc (09022015). Collection method: clinical testing. Allele origin: germline.
Comment: This variant has not been reported in the literature in individuals affected with TRMU-related conditions. This variant is not present in population databases (gnomAD no frequency). This sequence change affects a donor splice site in intron 5 of the TRMU gene. It is expected to disrupt RNA splicing. Variants that disrupt the donor or acceptor splice site typically lead to a loss of protein function (PMID: 16199547), and loss-of-function variants in TRMU are known to be pathogenic (PMID: 19732863, 23625533). Algorithms developed to predict the effect of sequence changes on RNA splicing suggest that this variant may disrupt the consensus splice site. In summary, the currently available evidence indicates that the variant is pathogenic, but additional data are needed to prove that conclusively. Therefore, this variant has been classified as Likely Pathogenic.

Literature cited by the submitters: PubMed 16199547; PubMed 19732863; PubMed 23625533.